The following is an entry in ClinVar:

NM_152594.3(SPRED1):c.1238T>C (p.Ile413Thr)

Gene: SPRED1 (sprouty related EVH1 domain containing 1; plus strand). Cytogenetic location: 15q14.
Variant type: single nucleotide variant.
Coding change: c.1238T>C on transcript NM_152594.3 (MANE Select); coding-DNA position 1238, T replaced by C.
Protein change: p.Ile413Thr; replaces isoleucine 413 with threonine.
Molecular consequence: missense variant.
Genome position (GRCh38, 1-based): chr15:38,351,567, T>C. VCF-style: chr15-38351567-T-C. GRCh37 (hg19) VCF-style: chr15-38643768-T-C.
Other names: c.1238T>C (NM_152594.2); short protein forms I413T.
Identifiers: ClinVar variation 1381308 (VCV001381308.10), dbSNP rs1156410015, ClinGen allele CA391934657.

ClinVar aggregate classification (germline): Uncertain significance. Review status: criteria provided, multiple submitters, no conflicts (2 of 4 stars). 2 submissions from 2 submitters: Uncertain significance (2). Last evaluated 2025-11-11.

Conditions:
Cardiovascular phenotype. Identifiers: MedGen CN230736.
Legius syndrome. Identifiers: Orphanet 137605, MedGen C1969623, MONDO:0012669, OMIM 611431. Disease mechanism: loss of function.

Allele frequency attached by ClinVar (database versions not stated): TOPMed below 0.00001; gnomAD 0.00001.
gnomAD v4.1: 1 of 1,614,060 alleles (0.000062%); highest among the groups gnomAD compares: Admixed American, 0.0017%; no homozygotes.

Submissions (2):

Ambry Genetics
Classification: Uncertain significance for Cardiovascular phenotype. Last evaluated: 2025-11-11. Review status: criteria provided, single submitter. Criteria: Ambry Variant Classification Scheme 2023. Collection method: clinical testing. Allele origin: germline.

Labcorp Genetics (formerly Invitae), Labcorp
Classification: Uncertain significance for Legius syndrome. Last evaluated: 2024-05-26. Review status: criteria provided, single submitter. Criteria: Invitae Variant Classification Sherloc (09022015). Collection method: clinical testing. Allele origin: germline.
Comment: This sequence change replaces isoleucine, which is neutral and non-polar, with threonine, which is neutral and polar, at codon 413 of the SPRED1 protein (p.Ile413Thr). This variant is not present in population databases (gnomAD no frequency). This variant has not been reported in the literature in individuals affected with SPRED1-related conditions. ClinVar contains an entry for this variant (Variation ID: 1381308). Advanced modeling of protein sequence and biophysical properties (such as structural, functional, and spatial information, amino acid conservation, physicochemical variation, residue mobility, and thermodynamic stability) performed at Invitae indicates that this missense variant is not expected to disrupt SPRED1 protein function with a negative predictive value of 80%. In summary, the available evidence is currently insufficient to determine the role of this variant in disease. Therefore, it has been classified as a Variant of Uncertain Significance.